The following is an entry in ClinVar:

ClinVar aggregate classification (germline): Uncertain significance (1 of 4 stars; one submission).

Conditions:
Epidermolysis bullosa simplex with nail dystrophy (EBS5D). Identifiers: MedGen C4225309, MONDO:0014661, OMIM 616487.
Epidermolysis bullosa simplex, Ogna type (EBS5A). Also called: Pidermolysis bullosa simplex 5A, Ogna type; EPIDERMOLYSIS BULLOSA SIMPLEX 5A, OGNA TYPE. Identifiers: Orphanet 79401, MedGen C0432317, MONDO:0007555, OMIM 131950.
Epidermolysis bullosa simplex 5B, with muscular dystrophy (EBS5B). Also called: Epidermolysis bullosa simplex with muscular dystrophy; EPIDERMOLYSIS BULLOSA SIMPLEX AND LIMB-GIRDLE MUSCULAR DYSTROPHY. Identifiers: Orphanet 257, MedGen C2931072, MONDO:0009181, OMIM 226670.
Autosomal recessive limb-girdle muscular dystrophy type 2Q (LGMDR17). Also called: MUSCULAR DYSTROPHY, LIMB-GIRDLE, AUTOSOMAL RECESSIVE 17. Identifiers: Orphanet 254361, MedGen C3150989, MONDO:0013390, OMIM 613723.
Epidermolysis bullosa simplex 5C, with pyloric atresia (EBS5C). Also called: PLEC-Related Epidermolysis Bullosa with Pyloric Atresia; Epidermolysis bullosa simplex with pyloric atresia; PLEC1-Related Epidermolysis Bullosa with Pyloric Atresia. Identifiers: Orphanet 158684, MedGen C2677349, MONDO:0012807, OMIM 612138.

gnomAD v4.1: 2 of 1,554,668 alleles (0.00013%); highest among the groups gnomAD compares: Admixed American, 0.0037%; no homozygotes.

Submission:

Labcorp Genetics (formerly Invitae), Labcorp
Classification: Uncertain significance for Autosomal recessive limb-girdle muscular dystrophy type 2Q; Epidermolysis bullosa simplex, Ogna type; Epidermolysis bullosa simplex with nail dystrophy; Epidermolysis bullosa simplex 5C, with pyloric atresia; Epidermolysis bullosa simplex 5B, with muscular dystrophy. Last evaluated: 2025-05-05. Review status: criteria provided, single submitter. Criteria: Invitae Variant Classification Sherloc (09022015). Collection method: clinical testing. Allele origin: germline.
Comment: This sequence change replaces alanine, which is neutral and non-polar, with threonine, which is neutral and polar, at codon 1552 of the PLEC protein (p.Ala1552Thr). This variant is present in population databases (rs2857823, gnomAD 0.008%). This variant has not been reported in the literature in individuals affected with PLEC-related conditions. Experimental studies and prediction algorithms are not available or were not evaluated, and the functional significance of this variant is currently unknown. In summary, the available evidence is currently insufficient to determine the role of this variant in disease. Therefore, it has been classified as a Variant of Uncertain Significance.

NM_201384.3(PLEC):c.4573G>A (p.Ala1525Thr)

Gene: PLEC (plectin; minus strand). Cytogenetic location: 8q24.3.
Variant type: single nucleotide variant.
Coding change: c.4573G>A on transcript NM_201384.3 (MANE Select); coding-DNA position 4573, G replaced by A.
Protein change: p.Ala1525Thr; replaces alanine 1525 with threonine.
Molecular consequence: missense variant. On other transcripts: intron variant (1).
Genome position (GRCh38, 1-based): chr8:143,925,356, C>T on the plus strand (G>A on the coding strand, the complement: PLEC is on the minus strand). VCF-style: chr8-143925356-C-T. GRCh37 (hg19) VCF-style: chr8-144999524-C-T.
Other names: c.4573G>A, p.Ala1525Thr (NM_201382.4); c.4585G>A, p.Ala1529Thr (NM_201383.3); c.4125+1428G>A (NM_001410941.1); c.4654G>A, p.Ala1552Thr (NM_000445.5); c.4531G>A, p.Ala1511Thr (NM_201378.4); c.4507G>A, p.Ala1503Thr (NM_201379.3); c.4984G>A, p.Ala1662Thr (NM_201380.4); c.4477G>A, p.Ala1493Thr (NM_201381.3); short protein forms A1552T, A1662T, A1511T, A1525T, A1493T, A1503T, A1529T.
Identifiers: ClinVar variation 4784916 (VCV004784916.1).